The following is an entry in ClinVar:

ClinVar aggregate classification (germline): Uncertain significance (1 of 4 stars; one submission).

Conditions:
Multiple endocrine neoplasia, type 1 (MEN1). Also called: MEA I; MEN I; WERMER SYNDROME; Endocrine adenomatosis multiple; MEN 1. Identifiers: Orphanet 652, MedGen C0025267, MeSH D018761, MONDO:0007540, OMIM 131100.

Submission:

Labcorp Genetics (formerly Invitae), Labcorp
Classification: Uncertain significance for Multiple endocrine neoplasia, type 1. Last evaluated: 2019-01-06. Review status: criteria provided, single submitter. Criteria: Invitae Variant Classification Sherloc (09022015). Collection method: clinical testing. Allele origin: germline.
Comment: In summary, the available evidence is currently insufficient to determine the role of this variant in disease. Therefore, it has been classified as a Variant of Uncertain Significance. Nucleotide substitutions within the consensus splice site are a relatively common cause of aberrant splicing (PMID: 17576681, 9536098). Algorithms developed to predict the effect of sequence changes on RNA splicing suggest that this variant may disrupt the consensus splice site, but this prediction has not been confirmed by published transcriptional studies. This variant has not been reported in the literature in individuals with MEN1-related conditions. This variant is not present in population databases (ExAC no frequency). This sequence change falls in intron 4 of the MEN1 gene. It does not directly change the encoded amino acid sequence of the MEN1 protein, but it affects a nucleotide within the consensus splice site of the intron.

Literature cited by the submitters: PubMed 17576681; PubMed 9536098.

NM_001370259.2(MEN1):c.783+5G>T

Gene: MEN1 (menin 1; minus strand). Cytogenetic location: 11q13.1.
Variant type: single nucleotide variant.
Coding change: c.783+5G>T on transcript NM_001370259.2 (MANE Select); 5 bases into the intron after coding-DNA position 783, G replaced by T.
Molecular consequence: intron variant.
Genome position (GRCh38, 1-based): chr11:64,807,547, C>A on the plus strand (G>T on the coding strand, the complement: MEN1 is on the minus strand). VCF-style: chr11-64807547-C-A. GRCh37 (hg19) VCF-style: chr11-64575019-C-A.
Other names: c.798+5G>T (NM_130804.3, NM_130803.3, NM_000244.4 and 3 more transcripts); c.783+5G>T (NM_130799.3, NM_001370260.2, NM_001370251.2 and 1 more transcripts); c.678+5G>T (NM_001370263.2, NM_001370262.2).
Identifiers: ClinVar variation 839405 (VCV000839405.7), dbSNP rs1592648530, ClinGen allele CA916081650.